The following is an entry in ClinVar:

NM_000719.7(CACNA1C):c.3614A>G (p.Lys1205Arg)

Gene: CACNA1C (calcium voltage-gated channel subunit alpha1 C; plus strand). Cytogenetic location: 12p13.33.
Variant type: single nucleotide variant.
Coding change: c.3614A>G on transcript NM_000719.7 (MANE Select); coding-DNA position 3614, A replaced by G.
Protein change: p.Lys1205Arg; replaces lysine 1205 with arginine.
Molecular consequence: missense variant.
Genome position (GRCh38, 1-based): chr12:2,610,596, A>G. VCF-style: chr12-2610596-A-G. GRCh37 (hg19) VCF-style: chr12-2719762-A-G.
Other names: c.3614A>G, p.Lys1205Arg (NM_001129837.2, NM_001129838.2, NM_001129839.2 and 15 more transcripts); c.3605A>G, p.Lys1202Arg (NM_001129844.2); c.3674A>G, p.Lys1225Arg (NM_199460.4, NM_001129827.2, NM_001129832.2); short protein forms K1202R, K1205R, K1225R.
Identifiers: ClinVar variation 3610208 (VCV003610208.2).

ClinVar aggregate classification (germline): Uncertain significance (1 of 4 stars; one submission).

Conditions:
Long QT syndrome (LQTS). Identifiers: MedGen C0023976, MeSH D008133, MONDO:0002442. Disease mechanism: loss of function. Inheritance: Various modes of inheritance.

gnomAD v4.1: 3 of 1,614,142 alleles (0.00019%); highest among the groups gnomAD compares: South Asian, 0.0022%; no homozygotes.

Submission:

Labcorp Genetics (formerly Invitae), Labcorp
Classification: Uncertain significance for Long QT syndrome. Last evaluated: 2024-07-26. Review status: criteria provided, single submitter. Criteria: Invitae Variant Classification Sherloc (09022015). Collection method: clinical testing. Allele origin: germline.
Comment: This sequence change replaces lysine, which is basic and polar, with arginine, which is basic and polar, at codon 1205 of the CACNA1C protein (p.Lys1205Arg). This variant is present in population databases (rs571534231, gnomAD 0.003%). This variant has not been reported in the literature in individuals affected with CACNA1C-related conditions. Advanced modeling of protein sequence and biophysical properties (such as structural, functional, and spatial information, amino acid conservation, physicochemical variation, residue mobility, and thermodynamic stability) has been performed at Invitae for this missense variant, however the output from this modeling did not meet the statistical confidence thresholds required to predict the impact of this variant on CACNA1C protein function. In summary, the available evidence is currently insufficient to determine the role of this variant in disease. Therefore, it has been classified as a Variant of Uncertain Significance.